The following is an entry in ClinVar:

ClinVar aggregate classification (germline): Uncertain significance (1 of 4 stars; one submission).

Submission:

GeneDx
Classification: Uncertain significance. Last evaluated: 2025-04-09. Review status: criteria provided, single submitter. Criteria: GeneDx Variant Classification Process June 2021. Collection method: clinical testing. Allele origin: germline. Affected: yes.
Comment: Not observed at significant frequency in large population cohorts (gnomAD); In silico analysis supports that this missense variant has a deleterious effect on protein structure/function; Has not been previously published as pathogenic or benign to our knowledge

NM_015898.4(ZBTB7A):c.299G>T (p.Ser100Ile)

Gene: ZBTB7A (zinc finger and BTB domain containing 7A; minus strand). Cytogenetic location: 19p13.3.
Variant type: single nucleotide variant.
Coding change: c.299G>T on transcript NM_015898.4 (MANE Select); coding-DNA position 299, G replaced by T.
Protein change: p.Ser100Ile; replaces serine 100 with isoleucine.
Molecular consequence: missense variant.
Genome position (GRCh38, 1-based): chr19:4,054,934, C>A on the plus strand (G>T on the coding strand, the complement: ZBTB7A is on the minus strand). VCF-style: chr19-4054934-C-A. GRCh37 (hg19) VCF-style: chr19-4054932-C-A.
Other names: c.299G>T, p.Ser100Ile (NM_001317990.2); short protein forms S100I.
Identifiers: ClinVar variation 4281793 (VCV004281793.1).
Genomic context (GRCh38, chr19:4,054,934, plus strand): 5'-CTCACGGCGGGGATCTCCAGCAGGCGGGCGGCGCTGAGGATGTCACCCACGTTGGCTGTG[C>A]TGACGGTGAGCGTGGCCGTGTAGGCGAAGTCCATGAGCGCGGTGAGCGCCTCGGCGCTGA-3'
Protein context (NP_056982.1, residues 90-110): DFAYTATLTV[Ser100Ile]TANVGDILSA